The following is an entry in ClinVar:

NM_006206.6(PDGFRA):c.335T>G (p.Leu112Arg)

Gene: PDGFRA (platelet derived growth factor receptor alpha; plus strand). Cytogenetic location: 4q12.
Variant type: single nucleotide variant.
Coding change: c.335T>G on transcript NM_006206.6 (MANE Select); coding-DNA position 335, T replaced by G.
Protein change: p.Leu112Arg; replaces leucine 112 with arginine.
Molecular consequence: missense variant.
Genome position (GRCh38, 1-based): chr4:54,261,380, T>G. VCF-style: chr4-54261380-T-G. GRCh37 (hg19) VCF-style: chr4-55127547-T-G.
Other names: c.335T>G, p.Leu112Arg (NM_001347827.2, NM_001347829.2); c.410T>G, p.Leu137Arg (NM_001347828.2); c.374T>G, p.Leu125Arg (NM_001347830.2); short protein forms L125R, L112R, L137R.
Identifiers: ClinVar variation 2108050 (VCV002108050.5), dbSNP rs2110243611, ClinGen allele CA356889004.

ClinVar aggregate classification (germline): Uncertain significance. Review status: criteria provided, multiple submitters, no conflicts (2 of 4 stars). 2 submissions from 2 submitters: Uncertain significance (2). Last evaluated 2025-04-14.

Conditions:
Hereditary cancer-predisposing syndrome. Also called: Hereditary neoplastic syndrome; Neoplastic Syndromes, Hereditary; Hereditary Cancer Syndrome; Tumor predisposition. Identifiers: Orphanet 140162, MedGen C0027672, MeSH D009386, MONDO:0015356.
Gastrointestinal stromal tumor. Also called: Gastrointestinal stroma tumor; Gastrointestinal stromal tumor, somatic. Identifiers: Orphanet 44890, MedGen C0238198, MeSH D046152, MONDO:0011719, OMIM 606764, HP:0100723.

Submissions (2):

Ambry Genetics
Classification: Uncertain significance for Hereditary cancer-predisposing syndrome. Last evaluated: 2025-04-14. Review status: criteria provided, single submitter. Criteria: Ambry Variant Classification Scheme 2023. Collection method: clinical testing. Allele origin: germline.
Comment: The p.L112R variant (also known as c.335T>G), located in coding exon 2 of the PDGFRA gene, results from a T to G substitution at nucleotide position 335. The leucine at codon 112 is replaced by arginine, an amino acid with dissimilar properties. This amino acid position is poorly conserved in available vertebrate species. In addition, this alteration is predicted to be tolerated by in silico analysis. Based on the available evidence, the clinical significance of this variant remains unclear.

Labcorp Genetics (formerly Invitae), Labcorp
Classification: Uncertain significance for Gastrointestinal stromal tumor. Last evaluated: 2023-07-16. Review status: criteria provided, single submitter. Criteria: Invitae Variant Classification Sherloc (09022015). Collection method: clinical testing. Allele origin: germline.
Comment: In summary, the available evidence is currently insufficient to determine the role of this variant in disease. Therefore, it has been classified as a Variant of Uncertain Significance. An algorithm developed to predict the effect of missense changes on protein structure and function (PolyPhen-2) suggests that this variant is likely to be tolerated. ClinVar contains an entry for this variant (Variation ID: 2108050). This missense change has been observed in individual(s) with melanoma and/or sarcoma (PMID: 28592523). This variant is not present in population databases (gnomAD no frequency). This sequence change replaces leucine, which is neutral and non-polar, with arginine, which is basic and polar, at codon 112 of the PDGFRA protein (p.Leu112Arg).

Literature cited by the submitters: PubMed 28592523 (cited by Labcorp Genetics (formerly Invitae), Labcorp).